The following is an entry in ClinVar:

NM_020631.6(PLEKHG5):c.1857G>C (p.Lys619Asn)

Gene: PLEKHG5 (pleckstrin homology and RhoGEF domain containing G5; minus strand). Cytogenetic location: 1p36.31.
Variant type: single nucleotide variant.
Coding change: c.1857G>C on transcript NM_020631.6 (MANE Select); coding-DNA position 1857, G replaced by C.
Protein change: p.Lys619Asn; replaces lysine 619 with asparagine.
Molecular consequence: missense variant.
Genome position (GRCh38, 1-based): chr1:6,469,620, C>G on the plus strand (G>C on the coding strand, the complement: PLEKHG5 is on the minus strand). VCF-style: chr1-6469620-C-G. GRCh37 (hg19) VCF-style: chr1-6529680-C-G.
Other names: c.1968G>C, p.Lys656Asn (NM_001042663.3, NM_001265592.2); c.1857G>C, p.Lys619Asn (NM_001042664.2, NM_001042665.2, NM_001265594.3 and 1 more transcripts); c.2064G>C, p.Lys688Asn (NM_001265593.2); short protein forms K619N, K656N, K688N.
Identifiers: ClinVar variation 3763472 (VCV003763472.2).

ClinVar aggregate classification (germline): Uncertain significance (1 of 4 stars; one submission).

Conditions:
Neuronopathy, distal hereditary motor, autosomal recessive 4. Also called: NEUROPATHY, DISTAL HEREDITARY MOTOR, AUTOSOMAL RECESSIVE 4; Autosomal recessive lower motor neuron disease with childhood onset. Identifiers: Orphanet 206580, MedGen C1970211, MONDO:0012608, OMIM 611067.
Charcot-Marie-Tooth disease recessive intermediate C. Also called: CHARCOT-MARIE-TOOTH NEUROPATHY, RECESSIVE INTERMEDIATE C. Identifiers: Orphanet 369867, MedGen C3809309, MONDO:0014154, OMIM 615376.

Submission:

Labcorp Genetics (formerly Invitae), Labcorp
Classification: Uncertain significance for Neuronopathy, distal hereditary motor, autosomal recessive 4; Charcot-Marie-Tooth disease recessive intermediate C. Last evaluated: 2024-07-25. Review status: criteria provided, single submitter. Criteria: Invitae Variant Classification Sherloc (09022015). Collection method: clinical testing. Allele origin: germline.
Comment: This sequence change replaces lysine, which is basic and polar, with asparagine, which is neutral and polar, at codon 619 of the PLEKHG5 protein (p.Lys619Asn). This variant is not present in population databases (gnomAD no frequency). This variant has not been reported in the literature in individuals affected with PLEKHG5-related conditions. Advanced modeling of protein sequence and biophysical properties (such as structural, functional, and spatial information, amino acid conservation, physicochemical variation, residue mobility, and thermodynamic stability) has been performed at Invitae for this missense variant, however the output from this modeling did not meet the statistical confidence thresholds required to predict the impact of this variant on PLEKHG5 protein function. In summary, the available evidence is currently insufficient to determine the role of this variant in disease. Therefore, it has been classified as a Variant of Uncertain Significance.